The following is an entry in ClinVar:

ClinVar aggregate classification (germline): Likely benign. Review status: criteria provided, multiple submitters, no conflicts (2 of 4 stars). 3 submissions from 3 submitters: Likely benign (3). Last evaluated 2025-10-08.

Conditions:
Hyperammonemic encephalopathy due to carbonic anhydrase VA deficiency. Also called: Carbonic Anhydrase VA Deficiency; Carbonic anhydrase VA deficiency, hyperammonemia due to. Identifiers: Orphanet 401948, MedGen C4706871, MONDO:0014332, OMIM 615751.

Allele frequency attached by ClinVar (database versions not stated): gnomAD 0.00006; TOPMed 0.00021; 1000 Genomes Project 0.00040; 1000 Genomes Project 30x 0.00047.
gnomAD v4.1: 229 of 1,579,632 alleles (0.014%); highest among the groups gnomAD compares: Middle Eastern, 0.091%; no homozygotes.

Submissions (3):

Labcorp Genetics (formerly Invitae), Labcorp
Classification: Likely benign for Hyperammonemic encephalopathy due to carbonic anhydrase VA deficiency. Last evaluated: 2025-10-08. Review status: criteria provided, single submitter. Criteria: Invitae Variant Classification Sherloc (09022015). Collection method: clinical testing. Allele origin: germline.

CeGaT Center for Human Genetics Tuebingen
Classification: Likely benign. Last evaluated: 2025-10-01. Review status: criteria provided, single submitter. Criteria: CeGaT Center For Human Genetics Tuebingen Variant Classification Criteria Version 2. Collection method: clinical testing. Allele origin: germline. Affected: yes. Observed: 2 variant alleles.
Comment: CA5A: BP4, BP7

GeneDx
Classification: Likely benign. Last evaluated: 2018-04-30. Review status: criteria provided, single submitter. Criteria: GeneDx Variant Classification (06012015). Collection method: clinical testing. Allele origin: germline. Affected: yes.
Comment: This variant is considered likely benign or benign based on one or more of the following criteria: it is a conservative change, it occurs at a poorly conserved position in the protein, it is predicted to be benign by multiple in silico algorithms, and/or has population frequency not consistent with disease.

NM_001739.2(CA5A):c.720C>A (p.Thr240=)

Gene: CA5A (carbonic anhydrase 5A; minus strand). Cytogenetic location: 16q24.2.
Variant type: single nucleotide variant.
Coding change: c.720C>A on transcript NM_001739.2 (MANE Select); coding-DNA position 720, C replaced by A.
Protein change: p.Thr240=; no amino-acid change (threonine 240 retained).
Molecular consequence: synonymous variant. On other transcripts: non-coding transcript variant (2).
Genome position (GRCh38, 1-based): chr16:87,891,853, G>T on the plus strand (C>A on the coding strand, the complement: CA5A is on the minus strand). VCF-style: chr16-87891853-G-T. GRCh37 (hg19) VCF-style: chr16-87925459-G-T.
Other names: c.720C>A, p.Thr240= (NM_001367225.1).
Identifiers: ClinVar variation 679537 (VCV000679537.40), dbSNP rs547918689, ClinGen allele CA8223305.